The following is an entry in ClinVar:

ClinVar aggregate classification (germline): Conflicting classifications of pathogenicity. Review status: criteria provided, conflicting classifications (1 of 4 stars). 3 submissions from 3 submitters: Uncertain significance (2); Likely benign (1). Last evaluated 2025-09-09.

Conditions:
Spastic paraplegia. Identifiers: MedGen C0037772, HP:0001258.

Allele frequency attached by ClinVar (database versions not stated): gnomAD exomes 0.00002 and 0.00006; ExAC 0.00007; ESP Exome Variant Server 0.00008; TOPMed 0.00017; gnomAD 0.00025 and 0.00026.
gnomAD v4.1: 64 of 1,613,898 alleles (0.004%); highest among the groups gnomAD compares: African/African-American, 0.073%; no homozygotes.

Submissions (3):

Mayo Clinic Laboratories, Mayo Clinic
Classification: Uncertain significance. Last evaluated: 2025-09-09. Review status: criteria provided, single submitter. Criteria: ACMG Guidelines, 2015. Collection method: clinical testing. Allele origin: germline. Observed: 4 variant alleles.

Labcorp Genetics (formerly Invitae), Labcorp
Classification: Likely benign for Spastic paraplegia. Last evaluated: 2024-11-29. Review status: criteria provided, single submitter. Criteria: Invitae Variant Classification Sherloc (09022015). Collection method: clinical testing. Allele origin: germline.

GeneDx
Classification: Uncertain significance. Last evaluated: 2023-08-01. Review status: criteria provided, single submitter. Criteria: GeneDx Variant Classification Process June 2021. Collection method: clinical testing. Allele origin: germline. Affected: yes.
Comment: In silico analysis supports that this missense variant has a deleterious effect on protein structure/function; Has not been previously published as pathogenic or benign to our knowledge

NM_014363.6(SACS):c.1273C>A (p.Pro425Thr)

Gene: SACS (sacsin molecular chaperone; minus strand). Cytogenetic location: 13q12.12.
Variant type: single nucleotide variant.
Coding change: c.1273C>A on transcript NM_014363.6 (MANE Select); coding-DNA position 1273, C replaced by A.
Protein change: p.Pro425Thr; replaces proline 425 with threonine.
Molecular consequence: missense variant.
Genome position (GRCh38, 1-based): chr13:23,355,339, G>T on the plus strand (C>A on the coding strand, the complement: SACS is on the minus strand). VCF-style: chr13-23355339-G-T. GRCh37 (hg19) VCF-style: chr13-23929478-G-T.
Other names: p.Pro425Thr; c.832C>A, p.Pro278Thr (NM_001278055.2); c.1273C>A (NM_014363.4); short protein forms P278T, P425T.
Identifiers: ClinVar variation 1590926 (VCV001590926.11), dbSNP rs142024534, ClinGen allele CA6911936.